The following is an entry in ClinVar:

NM_000159.4(GCDH):c.1268T>C (p.Ile423Thr)

Genes: GCDH (glutaryl-CoA dehydrogenase; plus strand), SYCE2 (synaptonemal complex central element protein 2; minus strand), LOC126862860 (BRD4-independent group 4 enhancer GRCh37_chr19:13010146-13011345; plus strand). Cytogenetic location: 19p13.13.
Variant type: single nucleotide variant.
Coding change: c.1268T>C on transcript NM_000159.4 (MANE Select); coding-DNA position 1268, T replaced by C.
Protein change: p.Ile423Thr; replaces isoleucine 423 with threonine.
Molecular consequence: missense variant. On other transcripts: non-coding transcript variant (2), intron variant (2).
Genome position (GRCh38, 1-based): chr19:12,899,492, T>C. VCF-style: chr19-12899492-T-C. GRCh37 (hg19) VCF-style: chr19-13010306-T-C.
Other names: c.1244-208T>C (NM_013976.5); c.613-107A>G (NM_001105578.2); short protein forms I423T.
Identifiers: ClinVar variation 5018762 (VCV005018762.2).

ClinVar aggregate classification (germline): Likely pathogenic (1 of 4 stars; one submission).

Conditions:
Glutaric aciduria, type 1. Also called: Glutaricaciduria, type I; Glutaryl-CoA dehydrogenase deficiency; Glutaric acidemia type I; Glutaric Acidemia Type 1; Glutaricacidemia Type 1; GA I. Identifiers: Orphanet 25, MedGen C0268595, MONDO:0009281, OMIM 231670.

Submission:

Juno Genomics, Hangzhou Juno Genomics, Inc
Classification: Likely pathogenic for Glutaric aciduria, type 1. Review status: criteria provided, single submitter. Criteria: ACMG Guidelines, 2015. Collection method: clinical testing. Allele origin: germline.
Comment: Absent from controls (or at extremely low frequency if recessive) in Genome Aggregation Database.;Multiple lines of computational evidence support a deleterious effect on the gene or gene product.;Patient's phenotype or family history is highly specific for a disease with a single genetic etiology.